The following is an entry in ClinVar:

NM_001365925.2(NLGN1):c.2394C>T (p.Pro798=)

Gene: NLGN1 (neuroligin 1; plus strand). Cytogenetic location: 3q26.31.
Variant type: single nucleotide variant.
Coding change: c.2394C>T on transcript NM_001365925.2 (MANE Select); coding-DNA position 2394, C replaced by T.
Protein change: p.Pro798=; no amino-acid change (proline 798 retained).
Molecular consequence: synonymous variant.
Genome position (GRCh38, 1-based): chr3:174,281,165, C>T. VCF-style: chr3-174281165-C-T. GRCh37 (hg19) VCF-style: chr3-173998955-C-T.
Other names: c.2394C>T, p.Pro798= (NM_001365923.2, NM_001365924.2, NM_001365926.2 and 2 more transcripts); c.2334C>T, p.Pro778= (NM_001365929.2, NM_001365930.2, NM_001365931.2 and 3 more transcripts); c.2307C>T, p.Pro769= (NM_001365934.2, NM_001365935.2, NM_001365936.2).
Identifiers: ClinVar variation 3056951 (VCV003056951.2), dbSNP rs16858840, ClinGen allele CA2708871.

ClinVar aggregate classification (germline): Benign (0 of 4 stars; one submission).

Conditions:
NLGN1-related disorder. Also called: NLGN1-related condition.

Allele frequency attached by ClinVar (database versions not stated): 1000 Genomes Project 0.01697; 1000 Genomes Project 30x 0.01811; gnomAD 0.01902; ESP Exome Variant Server 0.01945; TOPMed 0.02061; ExAC 0.02271; gnomAD exomes 0.02457.
gnomAD v4.1: 38,723 of 1,613,224 alleles (2.4%); highest among the groups gnomAD compares: East Asian, 4.1%; 522 homozygotes.

Submission:

PreventionGenetics, part of Exact Sciences
Classification: Benign for NLGN1-related condition. Last evaluated: 2019-03-14. Review status: no assertion criteria provided. Collection method: clinical testing. Allele origin: germline.
Comment: This variant is classified as benign based on ACMG/AMP sequence variant interpretation guidelines (Richards et al. 2015 PMID: 25741868, with internal and published modifications).